The following is an entry in ClinVar:

NM_001379286.1(ZNF423):c.40+33057A>C

Gene: ZNF423 (zinc finger protein 423; minus strand). Cytogenetic location: 16q12.1.
Variant type: single nucleotide variant.
Coding change: c.40+33057A>C on transcript NM_001379286.1 (MANE Select); 33057 bases into the intron after coding-DNA position 40, A replaced by C.
Molecular consequence: intron variant. On other transcripts: missense variant (1).
Genome position (GRCh38, 1-based): chr16:49,822,678, T>G on the plus strand (A>C on the coding strand, the complement: ZNF423 is on the minus strand). VCF-style: chr16-49822678-T-G. GRCh37 (hg19) VCF-style: chr16-49856589-T-G.
Other names: c.8A>C (NM_015069.4); c.8A>C, p.Lys3Thr (NM_015069.5); c.-164-33132A>C (NM_001271620.2); short protein forms K3T.
Identifiers: ClinVar variation 1053666 (VCV001053666.6), dbSNP rs764916396, ClinGen allele CA8047011.

ClinVar aggregate classification (germline): Conflicting classifications of pathogenicity. Review status: criteria provided, conflicting classifications (1 of 4 stars). 3 submissions from 3 submitters: Uncertain significance (2); Likely benign (1). Last evaluated 2026-06-23.

Conditions:
ZNF423-related disorder. Also called: ZNF423-related condition.
Nephronophthisis 14 (NPHP14). Identifiers: Orphanet 2318, MedGen C3539071, MONDO:0013916, OMIM 614844.

Allele frequency attached by ClinVar (database versions not stated): ExAC 0.00004; gnomAD exomes 0.00004 and 0.00005; TOPMed 0.00005.
gnomAD v4.1: 63 of 1,612,196 alleles (0.0039%); highest among the groups gnomAD compares: Middle Eastern, 0.05%; 1 homozygote.

Submissions (3):

PreventionGenetics, part of Exact Sciences
Classification: Uncertain significance for ZNF423-related condition. Last evaluated: 2026-06-23. Review status: criteria provided, single submitter. Criteria: ACMG Guidelines, 2015. Collection method: clinical testing. Allele origin: germline.
Comment: The ZNF423 c.8A>C variant is predicted to result in the amino acid substitution p.Lys3Thr. To our knowledge, this variant has not been reported in the literature. This variant is reported in 0.018% of alleles in individuals of Latino descent in gnomAD. At this time, the clinical significance of this variant is uncertain due to the absence of conclusive functional and genetic evidence.

Blueprint Genetics
Classification: Likely benign. Last evaluated: 2023-01-09. Review status: criteria provided, single submitter. Criteria: ACMG Guidelines, 2015. Collection method: clinical testing. Allele origin: germline.

Labcorp Genetics (formerly Invitae), Labcorp
Classification: Uncertain significance for Nephronophthisis 14. Last evaluated: 2022-09-27. Review status: criteria provided, single submitter. Criteria: Invitae Variant Classification Sherloc (09022015). Collection method: clinical testing. Allele origin: germline.
Comment: This sequence change replaces lysine, which is basic and polar, with threonine, which is neutral and polar, at codon 3 of the ZNF423 protein (p.Lys3Thr). This variant is present in population databases (rs764916396, gnomAD 0.02%). This variant has not been reported in the literature in individuals affected with ZNF423-related conditions. ClinVar contains an entry for this variant (Variation ID: 1053666). Algorithms developed to predict the effect of missense changes on protein structure and function (SIFT, PolyPhen-2, Align-GVGD) all suggest that this variant is likely to be tolerated. In summary, the available evidence is currently insufficient to determine the role of this variant in disease. Therefore, it has been classified as a Variant of Uncertain Significance.